The following is an entry in ClinVar:

ClinVar aggregate classification (germline): Uncertain significance (1 of 4 stars; one submission).

Allele frequency attached by ClinVar (database versions not stated): TOPMed 0.00001; ExAC 0.00002.
gnomAD v4.1: 10 of 1,612,232 alleles (0.00062%); highest among the groups gnomAD compares: Admixed American, 0.017%; no homozygotes.

Submission:

Labcorp Genetics (formerly Invitae), Labcorp
Classification: Uncertain significance. Last evaluated: 2022-08-20. Review status: criteria provided, single submitter. Criteria: Invitae Variant Classification Sherloc (09022015). Collection method: clinical testing. Allele origin: germline.
Comment: This sequence change replaces proline, which is neutral and non-polar, with leucine, which is neutral and non-polar, at codon 196 of the ERCC8 protein (p.Pro196Leu). This variant is present in population databases (rs751942615, gnomAD 0.02%). This variant has not been reported in the literature in individuals affected with ERCC8-related conditions. Algorithms developed to predict the effect of missense changes on protein structure and function (SIFT, PolyPhen-2, Align-GVGD) all suggest that this variant is likely to be disruptive. In summary, the available evidence is currently insufficient to determine the role of this variant in disease. Therefore, it has been classified as a Variant of Uncertain Significance.

NM_000082.4(ERCC8):c.587C>T (p.Pro196Leu)

Gene: ERCC8 (ERCC excision repair 8, CSA ubiquitin ligase complex subunit; minus strand). Cytogenetic location: 5q12.1.
Variant type: single nucleotide variant.
Coding change: c.587C>T on transcript NM_000082.4 (MANE Select); coding-DNA position 587, C replaced by T.
Protein change: p.Pro196Leu; replaces proline 196 with leucine.
Molecular consequence: missense variant.
Genome position (GRCh38, 1-based): chr5:60,902,472, G>A on the plus strand (C>T on the coding strand, the complement: ERCC8 is on the minus strand). VCF-style: chr5-60902472-G-A. GRCh37 (hg19) VCF-style: chr5-60198299-G-A.
Other names: c.413C>T, p.Pro138Leu (NM_001007233.3); c.128C>T, p.Pro43Leu (NM_001290285.2); short protein forms P138L, P196L, P43L.
Identifiers: ClinVar variation 2156341 (VCV002156341.1), dbSNP rs751942615, ClinGen allele CA3277785.
Genomic context (GRCh38, chr5:60,902,472, plus strand): 5'-AACTTCAAAAGCAAATAAGTTAAATTTTACCTTGCTGTTGCCAAGATATAGTCATAACGT[G>A]GAGACCAGGAAACTGCTAATATTTCTTGTCTGTGACCTGCAAATACAACTATATGAAAAG-3'
Protein context (NP_000073.1, residues 186-206): RQEILAVSWS[Pro196Leu]RYDYILATAS